The following is an entry in ClinVar:

ClinVar aggregate classification (germline): Uncertain significance (1 of 4 stars; one submission).

Conditions:
Curry-Jones syndrome (CRJS). Identifiers: Orphanet 1553, MedGen C0795915, MONDO:0011134, OMIM 601707.

Submission:

Clinical Genomics Laboratory, Washington University in St. Louis
Classification: Uncertain significance for Curry-Jones syndrome. Last evaluated: 2025-10-13. Review status: criteria provided, single submitter. Criteria: Leon-Quintero et al. (Clin Genet. 2025). Collection method: clinical testing. Allele origin: somatic.
Comment: A SMO c.1796C>T (p.Pro599Leu) variant was identified at an allelic fraction consistent with somatic origin. This variant, to our knowledge, has not been reported in the medical literature or the ClinVar database. This variant is absent from the general population (gnomAD v4.1.0), indicating it is not a common variant. Computational predictors indicate that the variant is damaging, evidence that correlates with impact on SMO function. Due to limited information, and based on internally developed protocol informed by the ACMG/AMP guidelines for variant interpretation and gene-specific practices from the ClinGen Criteria Specification Registry (Leon-Quintero FZ et al., PMID: 39434542), the clinical significance of the SMO c.1796C>T (p.Pro599Leu) is uncertain at this time.

NM_005631.5(SMO):c.1796C>T (p.Pro599Leu)

Gene: SMO (smoothened, frizzled class receptor; plus strand). Cytogenetic location: 7q32.1.
Variant type: single nucleotide variant.
Coding change: c.1796C>T on transcript NM_005631.5 (MANE Select); coding-DNA position 1796, C replaced by T.
Protein change: p.Pro599Leu; replaces proline 599 with leucine.
Molecular consequence: missense variant.
Genome position (GRCh38, 1-based): chr7:129,211,108, C>T. VCF-style: chr7-129211108-C-T. GRCh37 (hg19) VCF-style: chr7-128850949-C-T.
Other names: short protein forms P599L.
Identifiers: ClinVar variation 4974558 (VCV004974558.1).